The following is an entry in ClinVar:

NM_002335.4(LRP5):c.3776G>A (p.Cys1259Tyr)

Gene: LRP5 (LDL receptor related protein 5; plus strand). Cytogenetic location: 11q13.2.
Variant type: single nucleotide variant.
Coding change: c.3776G>A on transcript NM_002335.4 (MANE Select); coding-DNA position 3776, G replaced by A.
Protein change: p.Cys1259Tyr; replaces cysteine 1259 with tyrosine.
Molecular consequence: missense variant.
Genome position (GRCh38, 1-based): chr11:68,433,614, G>A. VCF-style: chr11-68433614-G-A. GRCh37 (hg19) VCF-style: chr11-68201082-G-A.
Other names: c.2033G>A, p.Cys678Tyr (NM_001291902.2); short protein forms C1259Y, C678Y.
Identifiers: ClinVar variation 1390515 (VCV001390515.6), dbSNP rs2153178528, ClinGen allele CA381613592.

ClinVar aggregate classification (germline): Uncertain significance (1 of 4 stars; one submission).

Submission:

Labcorp Genetics (formerly Invitae), Labcorp
Classification: Uncertain significance. Last evaluated: 2025-06-16. Review status: criteria provided, single submitter. Criteria: Invitae Variant Classification Sherloc (09022015). Collection method: clinical testing. Allele origin: germline.
Comment: This sequence change replaces cysteine, which is neutral and slightly polar, with tyrosine, which is neutral and polar, at codon 1259 of the LRP5 protein (p.Cys1259Tyr). This variant is not present in population databases (gnomAD no frequency). This variant has not been reported in the literature in individuals affected with LRP5-related conditions. ClinVar contains an entry for this variant (Variation ID: 1390515). Invitae Evidence Modeling of protein sequence and biophysical properties (such as structural, functional, and spatial information, amino acid conservation, physicochemical variation, residue mobility, and thermodynamic stability) has been performed for this missense variant. However, the output from this modeling did not meet the statistical confidence thresholds required to predict the impact of this variant on LRP5 protein function. In summary, the available evidence is currently insufficient to determine the role of this variant in disease. Therefore, it has been classified as a Variant of Uncertain Significance.